The following is an entry in ClinVar:

NM_003283.6(TNNT1):c.272_281del (p.Lys91fs)

Gene: TNNT1 (troponin T1, slow skeletal type; minus strand). Cytogenetic location: 19q13.42.
Variant type: Deletion.
Coding change: c.272_281del on transcript NM_003283.6 (MANE Select); coding-DNA positions 272 to 281, 10 bases deleted (AGGAGGAAGA; older notation c.272_281delAGGAGGAAGA).
Protein change: p.Lys91fs; shifts the reading frame from lysine 91.
Molecular consequence: frameshift variant.
Genome position (GRCh38, 1-based): chr19:55,141,214-55,141,223, TCTTCCTCCT deleted on the plus strand (AGGAGGAAGA on the coding strand, the reverse complement: TNNT1 is on the minus strand); deleting any 10 consecutive bases within chr19:55,141,214-55,141,229 gives the same sequence; the c. name uses the placement nearest the transcript's 3' end. VCF-style (leftmost placement, unchanged base first): chr19-55141213-CTCTTCCTCCT-C. GRCh37 (hg19) VCF-style: chr19-55652581-CTCTTCCTCCT-C.
Other names: c.272_281del, p.Lys91fs (NM_001126132.3); c.239_248del, p.Lys80fs (NM_001126133.3, NM_001291774.2); short protein forms K80fs, K91fs.
Identifiers: ClinVar variation 2664155 (VCV002664155.1), dbSNP rs2515443940, ClinGen allele CA2695201371.

ClinVar aggregate classification (germline): Likely pathogenic (1 of 4 stars; one submission).

Conditions:
Nemaline myopathy 5 (NEM5A). Also called: NEMALINE MYOPATHY 5A, AUTOSOMAL RECESSIVE, SEVERE INFANTILE; Nemaline myopathy 5, Amish type; NEMALINE MYOPATHY, AMISH TYPE. Identifiers: Orphanet 98902, MedGen C1854380, MONDO:0011539, OMIM 605355.
Nemaline myopathy 5B, autosomal recessive, childhood-onset (NEM5B). Identifiers: MedGen C5830545, MONDO:0957281, OMIM 620386.

Submission:

Diagnostics Services (NGS), CSIR - Centre For Cellular And Molecular Biology
Classification: Likely pathogenic for Nemaline myopathy 5; Nemaline myopathy 5B, autosomal recessive, childhood-onset. Last evaluated: 2023-11-06. Review status: criteria provided, single submitter. Criteria: ACMG Guidelines, 2015. Collection method: clinical testing. Allele origin: germline. Affected: yes. Observed: 1 variant allele, 1 homozygote.
Comment: The c.272_281del variant is not present in publicly available population databases like 1000 Genomes, EVS, ExAC, gnomAD, Indian Exome Database or our in-house exome database. This variant has neither been reported in the literature in individuals affected with TNNT1-related conditions nor reported to the clinical databases like Human Genome Mutation Database (HGMD), ClinVar or OMIM, in any affected individuals. In-silico pathogenicity prediction programs like MutationTaster2, CADD, Varsome, Franklin etc predicted this variant to be likely deleterious. This variant causes frameshift at the 91th amino acid position of the wild-type transcript which creates a premature translational stop signal in the altered transcript that may either result in translation of a truncated protein or cause nonsense mediated decay of the mRNA.